The following is an entry in ClinVar:

NM_018474.6(KIZ):c.1588A>G (p.Asn530Asp)

Genes: KIZ-AS1 (KIZ antisense RNA 1; minus strand), KIZ (kizuna centrosomal protein; plus strand). Cytogenetic location: 20p11.23.
Variant type: single nucleotide variant.
Coding change: c.1588A>G on transcript NM_018474.6 (MANE Select); coding-DNA position 1588, A replaced by G.
Protein change: p.Asn530Asp; replaces asparagine 530 with aspartic acid.
Molecular consequence: missense variant.
Genome position (GRCh38, 1-based): chr20:21,214,676, A>G. VCF-style: chr20-21214676-A-G. GRCh37 (hg19) VCF-style: chr20-21195314-A-G.
Other names: c.1279A>G, p.Asn427Asp (NM_001163022.3); c.1189A>G, p.Asn397Asp (NM_001163023.3); c.1441A>G, p.Asn481Asp (NM_001276389.2); c.1534A>G, p.Asn512Asp (NM_001352434.2); c.1225A>G, p.Asn409Asp (NM_001352435.2); c.1246A>G, p.Asn416Asp (NM_001352436.2); short protein forms N397D, N427D, N409D, N416D, N530D, N481D, N512D.
Identifiers: ClinVar variation 1377309 (VCV001377309.6), dbSNP rs2123296140, ClinGen allele CA408490868.
Genomic context (GRCh38, chr20:21,214,676, plus strand): 5'-TTGCCATCTATTCTGAATGACAATAGTGGAATAAAGGAAGCCAAACCTGCTGTATGGCTC[A>G]ACAGTGTTCCTACAAGGGAACAAGGTAACTATTGTTAAAGTGTGTGTCCACAGCAAAAAG-3'
Protein context (NP_060944.3, residues 520-540): IKEAKPAVWL[Asn530Asp]SVPTREQEVS

ClinVar aggregate classification (germline): Uncertain significance (1 of 4 stars; one submission).

Submission:

Labcorp Genetics (formerly Invitae), Labcorp
Classification: Uncertain significance. Last evaluated: 2022-08-08. Review status: criteria provided, single submitter. Criteria: Invitae Variant Classification Sherloc (09022015). Collection method: clinical testing. Allele origin: germline.
Comment: In summary, the available evidence is currently insufficient to determine the role of this variant in disease. Therefore, it has been classified as a Variant of Uncertain Significance. Algorithms developed to predict the effect of missense changes on protein structure and function output the following: SIFT: "Not Available"; PolyPhen-2: "Not Available"; Align-GVGD: "Not Available". The aspartic acid amino acid residue is found in multiple mammalian species, which suggests that this missense change does not adversely affect protein function. ClinVar contains an entry for this variant (Variation ID: 1377309). This variant has not been reported in the literature in individuals affected with KIZ-related conditions. This variant is not present in population databases (gnomAD no frequency). This sequence change replaces asparagine, which is neutral and polar, with aspartic acid, which is acidic and polar, at codon 530 of the KIZ protein (p.Asn530Asp).